The following is an entry in ClinVar:

NM_001035.3(RYR2):c.294+1del

Gene: RYR2 (ryanodine receptor 2; plus strand). Cytogenetic location: 1q43.
Variant type: Deletion.
Coding change: c.294+1del on transcript NM_001035.3 (MANE Select); the canonical splice donor site of the intron after coding-DNA position 294, one base deleted (G; older notation c.294+1delG).
Molecular consequence: splice donor variant.
Genome position (GRCh38, 1-based): chr1:237,355,986, G deleted; the last of 3 consecutive G bases (chr1:237,355,984-237,355,986); deleting any one gives the same sequence. VCF-style (leftmost placement, unchanged base first): chr1-237355983-TG-T. GRCh37 (hg19) VCF-style: chr1-237519283-TG-T.
Identifiers: ClinVar variation 3385649 (VCV003385649.1).

ClinVar aggregate classification (germline): Uncertain significance (1 of 4 stars; one submission).

Conditions:
Catecholaminergic polymorphic ventricular tachycardia (CVPT). Also called: Catecholamine-induced polymorphic ventricular tachycardia. Identifiers: Orphanet 3286, MedGen C5574922, MONDO:0017990.

Submission:

All of Us Research Program, National Institutes of Health
Classification: Uncertain significance for Catecholaminergic polymorphic ventricular tachycardia. Last evaluated: 2024-05-14. Review status: criteria provided, single submitter. Criteria: ACMG Guidelines, 2015. Collection method: clinical testing. Allele origin: germline. Inheritance: Autosomal dominant inheritance. Observed: 1 variant allele, 1 heterozygote.
Comment: This variant deletes one of the three "G" nucleotides at the junction of exon 4 and intron 4 of the RYR2 gene. Splice prediction tools suggest that this variant may not impact RNA splicing. This variant is expected to create a frameshift and premature translation stop signal, resulting in an absent or non-functional protein product. To our knowledge, functional RNA studies have not been reported for this variant. This variant has not been reported in individuals affected with RYR2-related disorders in the literature. This variant has not been identified in the general population by the Genome Aggregation Database (gnomAD). The role of loss-of-function RYR2 truncation and splice variants in autosomal dominant cardiovascular disorders is not clearly established. The available evidence is insufficient to determine the role of this variant in disease conclusively. Therefore, this variant is classified as a Variant of Uncertain Significance.

This study involves interpretation of variants in research participants for the purpose of population health screening. Participant phenotype was not available at the time of variant classification. Additional details can be found in publication PMID: 35346344, PMCID: PMC8962531